The following is an entry in ClinVar:

NM_001267550.2(TTN):c.53002+10G>A

Genes: TTN (titin; minus strand), TTN-AS1 (TTN antisense RNA 1; plus strand), LOC126806425 (BRD4-independent group 4 enhancer GRCh37_chr2:179471933-179473132; plus strand). Cytogenetic location: 2q31.2.
Variant type: single nucleotide variant.
Coding change: c.53002+10G>A on transcript NM_001267550.2 (MANE Select); 10 bases into the intron after coding-DNA position 53002, G replaced by A.
Molecular consequence: intron variant.
Genome position (GRCh38, 1-based): chr2:178,607,775, C>T on the plus strand (G>A on the coding strand, the complement: TTN is on the minus strand). VCF-style: chr2-178607775-C-T. GRCh37 (hg19) VCF-style: chr2-179472502-C-T.
Other names: p.?; c.25807+10G>A (NM_003319.4); c.26383+10G>A (NM_133437.4); c.26182+10G>A (NM_133432.3); c.45298+10G>A (NM_133378.4); c.48079+10G>A (NM_001256850.1).
Identifiers: ClinVar variation 47069 (VCV000047069.23), dbSNP rs370352450, ClinGen allele CA283418.

ClinVar aggregate classification (germline): Conflicting classifications of pathogenicity. Review status: criteria provided, conflicting classifications (1 of 4 stars). 7 submissions from 7 submitters: Uncertain significance (1); Benign (2); Likely benign (4). Last evaluated 2026-01-19.

Conditions:
Dilated cardiomyopathy 1G (CMD1G). Identifiers: Orphanet 154, MedGen C1858763, MONDO:0011400, OMIM 604145.
Autosomal recessive limb-girdle muscular dystrophy type 2J (LGMDR10). Also called: MUSCULAR DYSTROPHY, LIMB-GIRDLE, AUTOSOMAL RECESSIVE 10; Limb-girdle muscular dystrophy, type 2J. Identifiers: Orphanet 140922, MedGen C1837342, MONDO:0012127, OMIM 608807.
Myopathy, myofibrillar, 9, with early respiratory failure (MFM9). Also called: Myopathy, distal, with early respiratory failure, autosomal dominant; Hereditary myopathy with early respiratory failure; MYOPATHY, PROXIMAL, WITH EARLY RESPIRATORY MUSCLE INVOLVEMENT; EDSTROM MYOPATHY. Identifiers: Orphanet 178464, Orphanet 34521, MedGen C1863599, MONDO:0011362, OMIM 603689.

Allele frequency attached by ClinVar (database versions not stated): TOPMed 0.00012; ESP Exome Variant Server 0.00017; gnomAD 0.00006; ExAC 0.00018.
gnomAD v4.1: 68 of 1,612,500 alleles (0.0042%); highest among the groups gnomAD compares: Admixed American, 0.08%; no homozygotes.

Submissions (7):

Labcorp Genetics (formerly Invitae), Labcorp
Classification: Benign for Dilated cardiomyopathy 1G; Autosomal recessive limb-girdle muscular dystrophy type 2J. Last evaluated: 2026-01-19. Review status: criteria provided, single submitter. Criteria: Invitae Variant Classification Sherloc (09022015). Collection method: clinical testing. Allele origin: germline.

Mayo Clinic Laboratories, Mayo Clinic
Classification: Likely benign. Last evaluated: 2025-04-11. Review status: criteria provided, single submitter. Criteria: ACMG Guidelines, 2015. Collection method: clinical testing. Allele origin: germline. Observed: 2 variant alleles.
Comment: BS1, BP4, BP7

Molecular Diagnostic Laboratory for Inherited Cardiovascular Disease, Montreal Heart Institute
Classification: Likely benign. Last evaluated: 2025-04-09. Review status: criteria provided, single submitter. Criteria: ACMG Guidelines, 2015. Collection method: clinical testing. Allele origin: germline. Affected: no.
Comment: BP6

Baylor Genetics
Classification: Uncertain significance for Myopathy, myofibrillar, 9, with early respiratory failure. Last evaluated: 2018-06-14. Review status: criteria provided, single submitter. Criteria: ACMG Guidelines, 2015. Collection method: clinical testing. Allele origin: paternal. Affected: yes.
Comment: This variant was determined to be of uncertain significance according to ACMG Guidelines, 2015 [PMID:25741868].

Eurofins Ntd Llc (ga)
Classification: Likely benign. Last evaluated: 2016-07-15. Review status: criteria provided, single submitter. Criteria: EGL Classification Definitions 2015. Collection method: clinical testing. Allele origin: germline. Observed: 1 variant allele, 1 heterozygote.

Laboratory for Molecular Medicine, Mass General Brigham Personalized Medicine
Classification: Likely benign. Last evaluated: 2015-06-03. Review status: criteria provided, single submitter. Criteria: LMM Criteria. Collection method: clinical testing. Allele origin: germline. Observed: 2 variant alleles.
Comment: c.45298+10G>A in intron 225 of TTN: This variant is not expected to have clinica l significance because it is not located within the splice consensus sequence. I t has been identified in 0.2% (19/11480) of Latino chromosomes by the Exome Aggr egation Consortium (ExAC; dbSNP rs370352450).

GeneDx
Classification: Benign. Last evaluated: 2013-05-24. Review status: criteria provided, single submitter. Criteria: GeneDx Variant Classification (06012015). Collection method: clinical testing. Allele origin: germline. Affected: yes.
Comment: This variant is considered likely benign or benign based on one or more of the following criteria: it is a conservative change, it occurs at a poorly conserved position in the protein, it is predicted to be benign by multiple in silico algorithms, and/or has population frequency not consistent with disease.